The following is an entry in ClinVar:

ClinVar aggregate classification (germline): Uncertain significance. Review status: criteria provided, multiple submitters, no conflicts (2 of 4 stars). 2 submissions from 2 submitters: Uncertain significance (2). Last evaluated 2023-11-07.

Conditions:
DICER1-related tumor predisposition. Also called: DICER1 syndrome; DICER1-related pleuropulmonary blastoma cancer predisposition syndrome. Identifiers: Orphanet 284343, MedGen C3839822, MONDO:0100216.
Hereditary cancer-predisposing syndrome. Also called: Neoplastic Syndromes, Hereditary; Tumor predisposition; Hereditary neoplastic syndrome; Hereditary Cancer Syndrome. Identifiers: Orphanet 140162, MedGen C0027672, MeSH D009386, MONDO:0015356.

Allele frequency attached by ClinVar (database versions not stated): gnomAD exomes below 0.00001; TOPMed below 0.00001; gnomAD 0.00001.
gnomAD v4.1: 2 of 1,614,034 alleles (0.00012%); highest among the groups gnomAD compares: East Asian, 0.0022%; no homozygotes.

Submissions (2):

Labcorp Genetics (formerly Invitae), Labcorp
Classification: Uncertain significance for DICER1-related tumor predisposition. Last evaluated: 2023-11-07. Review status: criteria provided, single submitter. Criteria: Invitae Variant Classification Sherloc (09022015). Collection method: clinical testing. Allele origin: germline.
Comment: This sequence change replaces leucine, which is neutral and non-polar, with proline, which is neutral and non-polar, at codon 370 of the DICER1 protein (p.Leu370Pro). This variant is present in population databases (no rsID available, gnomAD 0.006%). This missense change has been observed in individual(s) with ovarian cancer (PMID: 30093976). ClinVar contains an entry for this variant (Variation ID: 242031). Advanced modeling of protein sequence and biophysical properties (such as structural, functional, and spatial information, amino acid conservation, physicochemical variation, residue mobility, and thermodynamic stability) performed at Invitae indicates that this missense variant is not expected to disrupt DICER1 protein function with a negative predictive value of 80%. In summary, the available evidence is currently insufficient to determine the role of this variant in disease. Therefore, it has been classified as a Variant of Uncertain Significance.

Ambry Genetics
Classification: Uncertain significance for Hereditary cancer-predisposing syndrome. Last evaluated: 2023-08-17. Review status: criteria provided, single submitter. Criteria: Ambry Variant Classification Scheme 2023. Collection method: clinical testing. Allele origin: germline.
Comment: The p.L370P variant (also known as c.1109T>C), located in coding exon 7 of the DICER1 gene, results from a T to C substitution at nucleotide position 1109. The leucine at codon 370 is replaced by proline, an amino acid with similar properties. This alteration has been identified in an individual with a personal history of ovarian cancer and a maternal family history of colon cancer (Chan GHJ et al. Oncotarget, 2018 Jul;9:30649-30660). This amino acid position is highly conserved in available vertebrate species. In addition, the in silico prediction for this alteration is inconclusive. Since supporting evidence is limited at this time, the clinical significance of this alteration remains unclear.

Literature cited by the submitters: PubMed 30093976 (cited by Labcorp Genetics (formerly Invitae), Labcorp and Ambry Genetics).

NM_177438.3(DICER1):c.1109T>C (p.Leu370Pro)

Gene: DICER1 (dicer 1, ribonuclease III; minus strand). Cytogenetic location: 14q32.13.
Variant type: single nucleotide variant.
Coding change: c.1109T>C on transcript NM_177438.3 (MANE Select); coding-DNA position 1109, T replaced by C.
Protein change: p.Leu370Pro; replaces leucine 370 with proline.
Molecular consequence: missense variant.
Genome position (GRCh38, 1-based): chr14:95,124,463, A>G on the plus strand (T>C on the coding strand, the complement: DICER1 is on the minus strand). VCF-style: chr14-95124463-A-G. GRCh37 (hg19) VCF-style: chr14-95590800-A-G.
Other names: c.1109T>C, p.Leu370Pro (NM_001195573.1, NM_001271282.3, NM_001291628.2 and 1 more transcripts); short protein forms L370P.
Identifiers: ClinVar variation 242031 (VCV000242031.12), dbSNP rs878855240, ClinGen allele CA10583222.